The following is an entry in ClinVar:

NM_033004.4(NLRP1):c.481C>T (p.Pro161Ser)

Gene: NLRP1 (NLR family pyrin domain containing 1; minus strand). Cytogenetic location: 17p13.2.
Variant type: single nucleotide variant.
Coding change: c.481C>T on transcript NM_033004.4 (MANE Select); coding-DNA position 481, C replaced by T.
Protein change: p.Pro161Ser; replaces proline 161 with serine.
Molecular consequence: missense variant.
Genome position (GRCh38, 1-based): chr17:5,582,030, G>A on the plus strand (C>T on the coding strand, the complement: NLRP1 is on the minus strand). VCF-style: chr17-5582030-G-A. GRCh37 (hg19) VCF-style: chr17-5485350-G-A.
Other names: c.481C>T, p.Pro161Ser (NM_001033053.3, NM_014922.5, NM_033006.4 and 1 more transcripts); short protein forms P161S.
Identifiers: ClinVar variation 3406063 (VCV003406063.3).

ClinVar aggregate classification (germline): Uncertain significance. Review status: criteria provided, multiple submitters, no conflicts (2 of 4 stars). 2 submissions from 2 submitters: Uncertain significance (2). Last evaluated 2024-10-29.

Conditions:
Inborn genetic diseases. Identifiers: MedGen C0950123, MeSH D030342.

Submissions (2):

Ambry Genetics
Classification: Uncertain significance for Inborn genetic diseases. Last evaluated: 2024-10-29. Review status: criteria provided, single submitter. Criteria: Ambry Variant Classification Scheme 2023. Collection method: clinical testing. Allele origin: germline.

Labcorp Genetics (formerly Invitae), Labcorp
Classification: Uncertain significance. Last evaluated: 2024-09-29. Review status: criteria provided, single submitter. Criteria: Invitae Variant Classification Sherloc (09022015). Collection method: clinical testing. Allele origin: germline.
Comment: This sequence change replaces proline, which is neutral and non-polar, with serine, which is neutral and polar, at codon 161 of the NLRP1 protein (p.Pro161Ser). This variant is not present in population databases (gnomAD no frequency). This variant has not been reported in the literature in individuals affected with NLRP1-related conditions. An algorithm developed to predict the effect of missense changes on protein structure and function outputs the following: PolyPhen-2: "Benign". The serine amino acid residue is found in multiple mammalian species, which suggests that this missense change does not adversely affect protein function. In summary, the available evidence is currently insufficient to determine the role of this variant in disease. Therefore, it has been classified as a Variant of Uncertain Significance.